The following is an entry in ClinVar:

NM_012156.2(EPB41L1):c.1669-3105C>T

Gene: EPB41L1 (erythrocyte membrane protein band 4.1 like 1; plus strand). Cytogenetic location: 20q11.23.
Variant type: single nucleotide variant.
Coding change: c.1669-3105C>T on transcript NM_012156.2 (MANE Select); 3105 bases into the intron before coding-DNA position 1669, C replaced by T.
Molecular consequence: intron variant.
Genome position (GRCh38, 1-based): chr20:36,206,383, C>T. VCF-style: chr20-36206383-C-T. GRCh37 (hg19) VCF-style: chr20-34794305-C-T.
Other names: c.1447-3105C>T (NM_001258331.2, NM_001424407.1, NM_001424406.1 and 4 more transcripts); c.1540-5889C>T (NM_001258330.1); c.1447-5889C>T (NM_001424405.1, NM_001424404.1, NM_001424403.1 and 4 more transcripts); c.1669-3105C>T (NM_001258329.1, NM_001424397.1); c.1669-5889C>T (NM_001424384.1); c.1633-3105C>T (NM_001424401.1, NM_001424400.1, NM_001424396.1); c.1633-5889C>T (NM_001424388.1, NM_001424387.1, NM_001424383.1); c.1666-3105C>T (NM_001424402.1); and 5 more.
Identifiers: ClinVar variation 2652294 (VCV002652294.24), dbSNP rs147198743, ClinGen allele CA9839981.

ClinVar aggregate classification (germline): Benign (1 of 4 stars; one submission).

Allele frequency attached by ClinVar (database versions not stated): 1000 Genomes Project 0.00040; 1000 Genomes Project 30x 0.00047; TOPMed 0.00098; gnomAD 0.00157; ExAC 0.00173.
gnomAD v4.1: 2,630 of 1,289,964 alleles (0.2%); highest among the groups gnomAD compares: Non-Finnish European, 0.24%; 3 homozygotes.

Submission:

CeGaT Center for Human Genetics Tuebingen
Classification: Benign. Last evaluated: 2022-10-01. Review status: criteria provided, single submitter. Criteria: CeGaT Center For Human Genetics Tuebingen Variant Classification Criteria Version 2. Collection method: clinical testing. Allele origin: germline. Affected: yes. Observed: 2 variant alleles.
Comment: EPB41L1: BS1, BS2